The following is an entry in ClinVar:

ClinVar aggregate classification (germline): Uncertain significance. Review status: criteria provided, multiple submitters, no conflicts (2 of 4 stars). 6 submissions from 6 submitters: Uncertain significance (5). 1 of the submissions does not count toward it. Last evaluated 2025-08-13.

Conditions:
Inborn genetic diseases. Identifiers: MedGen C0950123, MeSH D030342.
Usher syndrome type 1 (USH1). Also called: RETINITIS PIGMENTOSA AND CONGENITAL DEAFNESS. Identifiers: Orphanet 231169, Orphanet 886, MedGen C1568247, MONDO:0010168, OMIM 276900.

Allele frequency attached by ClinVar (database versions not stated): gnomAD exomes 0.00005 and 0.00006; ExAC 0.00006; gnomAD 0.00013 and 0.00016; 1000 Genomes Project 30x 0.00016; 1000 Genomes Project 0.00020; TOPMed 0.00043.
gnomAD v4.1: 103 of 1,612,322 alleles (0.0064%); highest among the groups gnomAD compares: Admixed American, 0.052%; no homozygotes.

Submissions (6):

Ambry Genetics
Classification: Uncertain significance for Inborn genetic diseases. Last evaluated: 2025-08-13. Review status: criteria provided, single submitter. Criteria: Ambry Variant Classification Scheme 2023. Collection method: clinical testing. Allele origin: germline.

GeneDx
Classification: Uncertain significance. Last evaluated: 2025-07-28. Review status: criteria provided, single submitter. Criteria: GeneDx Variant Classification Process June 2021. Collection method: clinical testing. Allele origin: germline. Affected: yes.
Comment: In silico analysis suggests that this missense variant does not alter protein structure/function; Has not been previously published as pathogenic or benign to our knowledge

Blueprint Genetics
Classification: Uncertain significance. Last evaluated: 2023-06-26. Review status: criteria provided, single submitter. Criteria: ACMG Guidelines, 2015. Collection method: clinical testing. Allele origin: germline.

Labcorp Genetics (formerly Invitae), Labcorp
Classification: Uncertain significance. Last evaluated: 2022-09-23. Review status: criteria provided, single submitter. Criteria: Invitae Variant Classification Sherloc (09022015). Collection method: clinical testing. Allele origin: germline.
Comment: This sequence change replaces glutamine, which is neutral and polar, with histidine, which is basic and polar, at codon 527 of the CDH23 protein (p.Gln527His). This variant is present in population databases (rs552906420, gnomAD 0.01%). This variant has not been reported in the literature in individuals affected with CDH23-related conditions. ClinVar contains an entry for this variant (Variation ID: 505043). Advanced modeling of protein sequence and biophysical properties (such as structural, functional, and spatial information, amino acid conservation, physicochemical variation, residue mobility, and thermodynamic stability) performed at Invitae indicates that this missense variant is not expected to disrupt CDH23 protein function. In summary, the available evidence is currently insufficient to determine the role of this variant in disease. Therefore, it has been classified as a Variant of Uncertain Significance.

Laboratory for Molecular Medicine, Mass General Brigham Personalized Medicine
Classification: Uncertain significance. Last evaluated: 2016-06-20. Review status: criteria provided, single submitter. Criteria: LMM Criteria. Collection method: clinical testing. Allele origin: germline. Observed: 1 variant allele.
Comment: The p.Gln527His variant in CDH23 has not been previously reported in individuals with hearing loss or Usher syndrome. This variant has been identified in 4/5525 2 European chromosomes by the Exome Aggregation Consortium (ExAC; dbSNP rs552906420). Although this variant has been seen in the general population, its frequency is not high enough to rule out a pathogenic r ole. Computational prediction tools and conservation analyses do not provide str ong support for or against an impact to the protein. In summary, the clinical si gnificance of the p.Gln527His variant is uncertain.

Natera, Inc.
Classification: Uncertain significance for Usher syndrome type 1. Last evaluated: 2019-10-28. Review status: no assertion criteria provided. Collection method: clinical testing. Allele origin: germline. Not counted in ClinVar's aggregate classification.

NM_022124.6(CDH23):c.1581G>T (p.Gln527His)

Gene: CDH23 (cadherin related 23; plus strand). Cytogenetic location: 10q22.1.
Variant type: single nucleotide variant.
Coding change: c.1581G>T on transcript NM_022124.6 (MANE Select); coding-DNA position 1581, G replaced by T.
Protein change: p.Gln527His; replaces glutamine 527 with histidine.
Molecular consequence: missense variant.
Genome position (GRCh38, 1-based): chr10:71,677,522, G>T. VCF-style: chr10-71677522-G-T. GRCh37 (hg19) VCF-style: chr10-73437279-G-T.
Other names: c.1581G>T, p.Gln527His (NM_001171930.2, NM_001171931.2); short protein forms Q527H.
Identifiers: ClinVar variation 505043 (VCV000505043.15), dbSNP rs552906420, ClinGen allele CA5543894.